The following is an entry in ClinVar:

NM_002972.4(SBF1):c.615C>T (p.Pro205=)

Gene: SBF1 (SET binding factor 1; minus strand). Cytogenetic location: 22q13.33.
Variant type: single nucleotide variant.
Coding change: c.615C>T on transcript NM_002972.4 (MANE Select); coding-DNA position 615, C replaced by T.
Protein change: p.Pro205=; no amino-acid change (proline 205 retained).
Molecular consequence: synonymous variant.
Genome position (GRCh38, 1-based): chr22:50,466,645, G>A on the plus strand (C>T on the coding strand, the complement: SBF1 is on the minus strand). VCF-style: chr22-50466645-G-A. GRCh37 (hg19) VCF-style: chr22-50905074-G-A.
Other names: p.Pro205=; c.618C>T, p.Pro206= (NM_001365819.1).
Identifiers: ClinVar variation 624004 (VCV000624004.56), dbSNP rs373623627, ClinGen allele CA10318018.

ClinVar aggregate classification (germline): Benign/Likely benign. Review status: criteria provided, multiple submitters, no conflicts (2 of 4 stars). 6 submissions from 6 submitters: Benign (2); Likely benign (4). Last evaluated 2026-09-01.

Allele frequency attached by ClinVar (database versions not stated): 1000 Genomes Project 0.00020; 1000 Genomes Project 30x 0.00047; ESP Exome Variant Server 0.00059; TOPMed 0.00106; gnomAD exomes 0.00142 and 0.00176; gnomAD 0.00188 and 0.00194; ExAC 0.00193.
gnomAD v4.1: 2,246 of 1,552,184 alleles (0.14%); highest among the groups gnomAD compares: South Asian, 0.15%; 7 homozygotes.

Submissions (6):

CeGaT Center for Human Genetics Tuebingen
Classification: Likely benign. Last evaluated: 2026-09-01. Review status: criteria provided, single submitter. Criteria: CeGaT Center For Human Genetics Tuebingen Variant Classification Criteria Version 2. Collection method: clinical testing. Allele origin: germline. Affected: yes. Observed: 20 variant alleles.
Comment: SBF1: BP4, BP7

Labcorp Genetics (formerly Invitae), Labcorp
Classification: Benign. Last evaluated: 2026-01-25. Review status: criteria provided, single submitter. Criteria: Invitae Variant Classification Sherloc (09022015). Collection method: clinical testing. Allele origin: germline.

Women's Health and Genetics/Laboratory Corporation of America, LabCorp
Classification: Benign. Last evaluated: 2025-02-10. Review status: criteria provided, single submitter. Criteria: LabCorp Variant Classification Summary - May 2015. Collection method: clinical testing. Allele origin: germline.

Blueprint Genetics
Classification: Likely benign. Last evaluated: 2024-11-28. Review status: criteria provided, single submitter. Criteria: ACMG Guidelines, 2015. Collection method: clinical testing. Allele origin: germline.

Mayo Clinic Laboratories, Mayo Clinic
Classification: Likely benign. Last evaluated: 2024-11-22. Review status: criteria provided, single submitter. Criteria: ACMG Guidelines, 2015. Collection method: clinical testing. Allele origin: germline. Observed: 3 variant alleles.
Comment: BS1, BP4, BP7

GeneDx
Classification: Likely benign. Last evaluated: 2020-03-26. Review status: criteria provided, single submitter. Criteria: GeneDx Variant Classification Process June 2021. Collection method: clinical testing. Allele origin: germline. Affected: yes.